The following is an entry in ClinVar:

NM_000059.4(BRCA2):c.5585_5588del (p.Val1862fs)

Gene: BRCA2 (BRCA2 DNA repair associated; plus strand). Cytogenetic location: 13q13.1.
Variant type: Deletion.
Coding change: c.5585_5588del on transcript NM_000059.4 (MANE Select); coding-DNA positions 5585 to 5588, 4 bases deleted (TGAA; older notation c.5585_5588delTGAA).
Protein change: p.Val1862fs; shifts the reading frame from valine 1862.
Molecular consequence: frameshift variant.
Genome position (GRCh38, 1-based): chr13:32,339,940-32,339,943, TGAA deleted. VCF-style (leftmost placement, unchanged base first): chr13-32339939-GTGAA-G. GRCh37 (hg19) VCF-style: chr13-32914076-GTGAA-G.
Other names: 5813del4; c.5585_5588delTGAA (NM_000059.3).
Identifiers: ClinVar variation 51885 (VCV000051885.32), dbSNP rs80359523, ClinGen allele CA022642.

ClinVar aggregate classification (germline): Pathogenic. Review status: reviewed by expert panel (3 of 4 stars). 13 submissions from 13 submitters: Pathogenic (1). 12 of the submissions do not count toward it. Last evaluated 2016-09-08.

Conditions:
Hereditary breast ovarian cancer syndrome. Also called: Hereditary breast and ovarian cancer syndrome; Hereditary breast and ovarian cancer; Hereditary breast and ovarian cancer syndrome (HBOC); Breast and ovarian cancer; Hereditary breast and/or ovarian cancer syndrome; BRCA1- and BRCA2-Associated Hereditary Breast and Ovarian Cancer. Identifiers: Orphanet 145, MedGen C0677776, MeSH D061325, MONDO:0003582. Disease mechanism: loss of function.
Familial cancer of breast. Also called: BREAST CANCER, FAMILIAL; Hereditary breast cancer; hereditary breast carcinoma. Identifiers: Orphanet 227535, MedGen C0346153, MONDO:0016419, OMIM 114480. Disease mechanism: loss of function.
Hereditary cancer-predisposing syndrome. Also called: Neoplastic Syndromes, Hereditary; Tumor predisposition; Hereditary neoplastic syndrome; Hereditary Cancer Syndrome. Identifiers: Orphanet 140162, MedGen C0027672, MeSH D009386, MONDO:0015356.
Breast-ovarian cancer, familial, susceptibility to, 2 (BROVCA2). Also called: BRCA2 Hereditary Breast and Ovarian Cancer. Identifiers: Orphanet 145, MedGen C2675520, MONDO:0012933, OMIM 612555. Disease mechanism: loss of function.

Submissions (13):

Evidence-based Network for the Interpretation of Germline Mutant Alleles (ENIGMA)
Classification: Pathogenic for Breast-ovarian cancer, familial, susceptibility to, 2. Last evaluated: 2016-09-08. Review status: reviewed by expert panel. Criteria: ENIGMA BRCA1/2 Classification Criteria (2015). Collection method: curation. Allele origin: germline.
Comment: Variant allele predicted to encode a truncated non-functional protein.

Labcorp Genetics (formerly Invitae), Labcorp
Classification: Pathogenic for Hereditary breast ovarian cancer syndrome. Last evaluated: 2025-11-03. Review status: criteria provided, single submitter. Criteria: Invitae Variant Classification Sherloc (09022015). Collection method: clinical testing. Allele origin: germline. Not counted in ClinVar's aggregate classification.
Comment: This sequence change creates a premature translational stop signal (p.Val1862Glufs*11) in the BRCA2 gene. It is expected to result in an absent or disrupted protein product. Loss-of-function variants in BRCA2 are known to be pathogenic (PMID: 20104584). This variant is not present in population databases (gnomAD no frequency). This premature translational stop signal has been observed in individual(s) with prostate cancer and breast cancer (PMID: 25186627, 27433846). ClinVar contains an entry for this variant (Variation ID: 51885). For these reasons, this variant has been classified as Pathogenic.

Ambry Genetics
Classification: Pathogenic for Hereditary cancer-predisposing syndrome. Last evaluated: 2025-02-25. Review status: criteria provided, single submitter. Criteria: Ambry Variant Classification Scheme 2023. Collection method: clinical testing. Allele origin: germline. Not counted in ClinVar's aggregate classification.
Comment: The c.5585_5588delTGAA pathogenic mutation, located in coding exon 10 of the BRCA2 gene, results from a deletion of 4 nucleotides at nucleotide positions 5585 to 5588, causing a translational frameshift with a predicted alternate stop codon (p.V1862Efs*11). This alteration has been reported in an individual diagnosed with breast cancer (Tung N et al. Cancer 2015 Jan;121:25-33) and was also identified in 1/692 men with metastatic prostate cancer who were unselected for family history of cancer or age at diagnosis (Pritchard CC et al. N. Engl. J. Med. 2016 Aug;375:443-53). In addition to the clinical data presented in the literature, this alteration is expected to result in loss of function by premature protein truncation or nonsense-mediated mRNA decay. As such, this alteration is interpreted as a disease-causing mutation.

Quest Diagnostics Nichols Institute San Juan Capistrano
Classification: Pathogenic. Last evaluated: 2024-12-06. Review status: criteria provided, single submitter. Criteria: Quest Diagnostics criteria. Collection method: clinical testing. Allele origin: unknown. Not counted in ClinVar's aggregate classification.
Comment: The BRCA2 c.5585_5588del (p.Val1862Glufs*11) variant alters the translational reading frame of the BRCA2 mRNA and causes the premature termination of BRCA2 protein synthesis. This variant has been reported in the published literature in individuals with breast cancer (PMID: 25186627 (2015)) and prostate cancer (PMID: 27433846 (2016)). This variant has not been reported in large, multi-ethnic general populations (Genome Aggregation Database). Based on the available information, this variant is classified as pathogenic.

GeneDx
Classification: Pathogenic. Last evaluated: 2024-05-07. Review status: criteria provided, single submitter. Criteria: GeneDx Variant Classification Process June 2021. Collection method: clinical testing. Allele origin: germline. Affected: yes. Not counted in ClinVar's aggregate classification.
Comment: Frameshift variant predicted to result in protein truncation or nonsense mediated decay in a gene for which loss-of-function is a known mechanism of disease; Observed in individuals with BRCA2-related cancers (PMID: 27433846, 25186627); Not observed at significant frequency in large population cohorts (gnomAD); Also known as 5813_5816delTGAA or 5813del4; Truncating variants in this gene are considered pathogenic by a well-established clinical consortium and/or database; This variant is associated with the following publications: (PMID: 27433846, 25186627, 29446198, 31853058)

Revvity Omics, Revvity
Classification: Pathogenic. Last evaluated: 2023-03-02. Review status: criteria provided, single submitter. Criteria: ACMG Guidelines, 2015. Collection method: clinical testing. Allele origin: germline. Not counted in ClinVar's aggregate classification.

Baylor Genetics
Classification: Pathogenic for Familial cancer of breast. Last evaluated: 2022-02-02. Review status: criteria provided, single submitter. Criteria: ACMG Guidelines, 2015. Collection method: clinical testing. Allele origin: unknown. Not counted in ClinVar's aggregate classification.

Women's Health and Genetics/Laboratory Corporation of America, LabCorp
Classification: Pathogenic for Hereditary breast and ovarian cancer syndrome. Last evaluated: 2020-11-19. Review status: criteria provided, single submitter. Criteria: LabCorp Variant Classification Summary - May 2015. Collection method: clinical testing. Allele origin: germline. Not counted in ClinVar's aggregate classification.
Comment: Variant summary: BRCA2 c.5585_5588delTGAA (p.Val1862GlufsX11) results in a premature termination codon, predicted to cause a truncation of the encoded protein or absence of the protein due to nonsense mediated decay, which are commonly known mechanisms for disease. The variant was absent in 245466 control chromosomes (gnomAD). c.5585_5588delTGAA has been reported in the literature in individuals affected with Hereditary Breast and Ovarian Cancer Syndrome (example: Tung_2014, Rebbeck_2018) and also in an individual with prostate cancer (Pritchard_2016). In addition, BIC database reports 5 individuals with this variant (NHGRI BIC). These data indicate that the variant may be associated with disease. To our knowledge, no experimental evidence demonstrating an impact on protein function has been reported. Five other ClinVar submitters (evaluation after 2014), including an expert panel (ENIGMA) cite the variant as pathogenic. Based on the evidence outlined above, the variant was classified as pathogenic.

ARUP Laboratories, Molecular Genetics and Genomics, ARUP Laboratories
Classification: Pathogenic. Last evaluated: 2018-03-13. Review status: criteria provided, single submitter. Criteria: ARUP Molecular Germline Variant Investigation Process. Collection method: clinical testing. Allele origin: germline. Not counted in ClinVar's aggregate classification.
Comment: The BRCA2 c.5585_5588del; p.Val1862fs variant (rs80359523) has been described in individuals affected with breast and prostate cancer (Pritchard 2016, Tung 2015). It is reported as pathogenic by multiple laboratories in ClinVar (Variation ID: 51885) and is absent from general population databases (1000 Genomes Project, Exome Variant Server, and Genome Aggregation Database), indicating it is not a common polymorphism. This variant causes a frameshift by deleting 4 nucleotides, so is predicted to result in a truncated protein or mRNA subject to nonsense-mediated decay. Based on available information, this variant is considered pathogenic. REFERENCES Pritchard C et al. Inherited DNA-Repair Gene Mutations in Men with Metastatic Prostate Cancer. N Engl J Med. 2016 Aug 4;375(5):443-53. Tung N et al. Frequency of mutations in individuals with breast cancer referred for BRCA1 and BRCA2 testing using next-generation sequencing with a 25-gene panel. Cancer. 2015 Jan 1;121(1):25-33.

Consortium of Investigators of Modifiers of BRCA1/2 (CIMBA), c/o University of Cambridge
Classification: Pathogenic for Breast-ovarian cancer, familial, susceptibility to, 2. Last evaluated: 2015-10-02. Review status: criteria provided, single submitter. Criteria: CIMBA Mutation Classification guidelines May 2016. Collection method: clinical testing. Allele origin: germline. Not counted in ClinVar's aggregate classification.

Research Molecular Genetics Laboratory, Women's College Hospital, University of Toronto
Classification: Pathogenic for Hereditary breast ovarian cancer syndrome. Last evaluated: 2014-01-31. Review status: no assertion criteria provided. Collection method: research. Allele origin: germline. Affected: yes. Study: The Canadian Open Genetics Repository (COGR). Not counted in ClinVar's aggregate classification.

Sharing Clinical Reports Project (SCRP)
Classification: Pathogenic for Breast-ovarian cancer, familial 2. Last evaluated: 2011-09-09. Review status: no assertion criteria provided. Collection method: clinical testing. Allele origin: germline. Not counted in ClinVar's aggregate classification.

Breast Cancer Information Core (BIC) (BRCA2)
Classification: Pathogenic for Breast-ovarian cancer, familial 2. Last evaluated: 2004-02-20. Review status: no assertion criteria provided. Collection method: clinical testing. Allele origin: germline. Affected: yes. Observed: 5 variant alleles. Not counted in ClinVar's aggregate classification.

Literature cited by the submitters: PubMed 20104584 (cited by Labcorp Genetics (formerly Invitae), Labcorp); PubMed 25186627 (cited by 4 submitters); PubMed 27433846 (cited by 4 submitters); PubMed 29446198 (cited by 3 submitters); PubMed 37461096 (cited by Quest Diagnostics Nichols Institute San Juan Capistrano); PubMed 32614418 (cited by Quest Diagnostics Nichols Institute San Juan Capistrano).